The following is an entry in ClinVar:

NM_206933.4(USH2A):c.12359G>A (p.Arg4120His)

Gene: USH2A (usherin; minus strand). Cytogenetic location: 1q41.
Variant type: single nucleotide variant.
Coding change: c.12359G>A on transcript NM_206933.4 (MANE Select); coding-DNA position 12359, G replaced by A.
Protein change: p.Arg4120His; replaces arginine 4120 with histidine.
Molecular consequence: missense variant.
Genome position (GRCh38, 1-based): chr1:215,675,552, C>T on the plus strand (G>A on the coding strand, the complement: USH2A is on the minus strand). VCF-style: chr1-215675552-C-T. GRCh37 (hg19) VCF-style: chr1-215848894-C-T.
Other names: short protein forms R4120H.
Identifiers: ClinVar variation 866067 (VCV000866067.9), dbSNP rs188008529, ClinGen allele CA1393482.

ClinVar aggregate classification (germline): Uncertain significance. Review status: criteria provided, multiple submitters, no conflicts (2 of 4 stars). 7 submissions from 6 submitters: Uncertain significance (7). Last evaluated 2026-09-23.

Conditions:
USH2A-related disorder. Also called: USH2A-related condition; USH2A-related disorders. Identifiers: MedGen CN239332.
Usher syndrome type 2A. Also called: USHER SYNDROME, TYPE IIA; RETINAL DISEASE IN USHER SYNDROME TYPE IIA, MODIFIER OF. Identifiers: Orphanet 231178, Orphanet 886, MedGen C1848634, MONDO:0010169, OMIM 276901.
Retinitis pigmentosa 39 (RP39). Identifiers: Orphanet 791, MedGen C3151138, MONDO:0013436, OMIM 613809.

Allele frequency attached by ClinVar (database versions not stated): gnomAD exomes 0.00003 and 0.00006; 1000 Genomes Project 30x 0.00062; ExAC 0.00004; 1000 Genomes Project 0.00060; gnomAD 0.00003 and 0.00001; TOPMed 0.00002.
gnomAD v4.1: 56 of 1,613,974 alleles (0.0035%); highest among the groups gnomAD compares: Admixed American, 0.018%; 1 homozygote.

Submissions (7):

GeneDx
Classification: Uncertain significance. Last evaluated: 2026-09-23. Review status: criteria provided, single submitter. Criteria: GeneDx Variant Classification Process June 2021. Collection method: clinical testing. Allele origin: germline.
Comment: Identified with a second USH2A variant in a patient with retinitis pigmentosa in published literature (PMID: 34448047); In silico analysis supports that this missense variant has a deleterious effect on protein structure/function; This variant is associated with the following publications: (PMID: 34448047)

PreventionGenetics, part of Exact Sciences
Classification: Uncertain significance for USH2A-related condition. Last evaluated: 2026-04-10. Review status: criteria provided, single submitter. Criteria: ACMG Guidelines, 2015. Collection method: clinical testing. Allele origin: germline.
Comment: The USH2A c.12359G>A variant is predicted to result in the amino acid substitution p.Arg4120His. This variant was reported in an individual with retinal disease (Table S7, Perea-Romero et al. 2021. PubMed ID: 34448047). This variant is reported in 0.017% of alleles in individuals of Latino descent in gnomAD. At this time, the clinical significance of this variant is uncertain due to the absence of conclusive functional and genetic evidence.

Genome-Nilou Lab
Classification: Uncertain significance for Retinitis pigmentosa 39. Last evaluated: 2023-11-04. Review status: criteria provided, single submitter. Criteria: ACMG Guidelines, 2015. Collection method: clinical testing. Allele origin: germline. Affected: no.

Genome-Nilou Lab
Classification: Uncertain significance for Usher syndrome type 2A. Last evaluated: 2023-11-04. Review status: criteria provided, single submitter. Criteria: ACMG Guidelines, 2015. Collection method: clinical testing. Allele origin: germline. Affected: no.

Blueprint Genetics
Classification: Uncertain significance. Last evaluated: 2023-03-31. Review status: criteria provided, single submitter. Criteria: ACMG Guidelines, 2015. Collection method: clinical testing. Allele origin: germline.

Labcorp Genetics (formerly Invitae), Labcorp
Classification: Uncertain significance. Last evaluated: 2022-09-06. Review status: criteria provided, single submitter. Criteria: Invitae Variant Classification Sherloc (09022015). Collection method: clinical testing. Allele origin: germline.
Comment: This sequence change replaces arginine, which is basic and polar, with histidine, which is basic and polar, at codon 4120 of the USH2A protein (p.Arg4120His). This variant is present in population databases (rs188008529, gnomAD 0.01%). This variant has not been reported in the literature in individuals affected with USH2A-related conditions. ClinVar contains an entry for this variant (Variation ID: 866067). Algorithms developed to predict the effect of missense changes on protein structure and function (SIFT, PolyPhen-2, Align-GVGD) all suggest that this variant is likely to be disruptive. In summary, the available evidence is currently insufficient to determine the role of this variant in disease. Therefore, it has been classified as a Variant of Uncertain Significance.

Fulgent Genetics
Classification: Uncertain significance for Usher syndrome type 2A; Retinitis pigmentosa 39. Last evaluated: 2022-01-14. Review status: criteria provided, single submitter. Criteria: ACMG Guidelines, 2015. Collection method: clinical testing. Allele origin: unknown.